The following is an entry in ClinVar:

NM_016026.4(RDH11):c.361C>T (p.Leu121Phe)

Genes: GPHN (gephyrin; plus strand), RDH11 (retinol dehydrogenase 11; minus strand). Cytogenetic location: 14q24.1.
Variant type: single nucleotide variant.
Coding change: c.361C>T on transcript NM_016026.4 (MANE Select); coding-DNA position 361, C replaced by T.
Protein change: p.Leu121Phe; replaces leucine 121 with phenylalanine.
Molecular consequence: missense variant.
Genome position (GRCh38, 1-based): chr14:67,691,233, G>A on the plus strand (C>T on the coding strand, the complement: RDH11 is on the minus strand). VCF-style: chr14-67691233-G-A. GRCh37 (hg19) VCF-style: chr14-68157950-G-A.
Other names: c.361C>T, p.Leu121Phe (NM_001252650.2); short protein forms L121F.
Identifiers: ClinVar variation 1047749 (VCV001047749.6), dbSNP rs1256615411, ClinGen allele CA390136129.

ClinVar aggregate classification (germline): Uncertain significance (1 of 4 stars; one submission).

Allele frequency attached by ClinVar (database versions not stated): gnomAD exomes below 0.00001; gnomAD 0.00001; TOPMed 0.00003.
gnomAD v4.1: 2 of 1,613,324 alleles (0.00012%); highest among the groups gnomAD compares: Admixed American, 0.0033%; no homozygotes.

Submission:

Labcorp Genetics (formerly Invitae), Labcorp
Classification: Uncertain significance. Last evaluated: 2022-06-13. Review status: criteria provided, single submitter. Criteria: Invitae Variant Classification Sherloc (09022015). Collection method: clinical testing. Allele origin: germline.
Comment: This sequence change replaces leucine, which is neutral and non-polar, with phenylalanine, which is neutral and non-polar, at codon 121 of the RDH11 protein (p.Leu121Phe). This variant is present in population databases (no rsID available, gnomAD 0.0009%). This variant has not been reported in the literature in individuals affected with RDH11-related conditions. ClinVar contains an entry for this variant (Variation ID: 1047749). Algorithms developed to predict the effect of missense changes on protein structure and function are either unavailable or do not agree on the potential impact of this missense change (SIFT: "Deleterious"; PolyPhen-2: "Probably Damaging"; Align-GVGD: "Class C0"). In summary, the available evidence is currently insufficient to determine the role of this variant in disease. Therefore, it has been classified as a Variant of Uncertain Significance.